The following is an entry in ClinVar:

ClinVar aggregate classification (germline): Conflicting classifications of pathogenicity. Review status: criteria provided, conflicting classifications (1 of 4 stars). 2 submissions from 2 submitters: Uncertain significance (1); Likely benign (1). Last evaluated 2026-09-11.

Conditions:
Colorectal cancer, hereditary nonpolyposis, type 7. Identifiers: Orphanet 144, MedGen C1858380, MONDO:0013725, OMIM 614385.

Submissions (2):

Myriad Genetics, Inc.
Classification: Likely benign for Colorectal cancer, hereditary nonpolyposis, type 7. Last evaluated: 2026-09-11. Review status: criteria provided, single submitter. Criteria: Myriad Autosomal Dominant, Autosomal Recessive and X-Linked Classification Criteria (2023). Collection method: clinical testing. Allele origin: unknown.
Comment: This variant is considered likely benign. This variant is intronic and is not expected to impact mRNA splicing.

Ambry Genetics
Classification: Uncertain significance. Last evaluated: 2026-06-06. Review status: criteria provided, single submitter. Criteria: Ambry Variant Classification Scheme 2023. Collection method: clinical testing. Allele origin: germline.
Comment: The c.3466-6_3466-5dupTT intronic variant begins 5 nucleotides before coding exon 4 in the MLH3 gene. This variant results from a duplication of 2 nucleotides at nucleotide positions c.3466-6 to c.3466-5. This nucleotide region is well conserved in available vertebrate species. In silico splice site analysis predicts that this alteration may weaken the native splice acceptor site. Based on the available evidence, the clinical significance of this variant remains unclear.

NM_001040108.2(MLH3):c.3466-6_3466-5dup

Gene: MLH3 (mutL homolog 3; minus strand). Cytogenetic location: 14q24.3.
Variant type: Duplication.
Coding change: c.3466-6_3466-5dup on transcript NM_001040108.2 (MANE Select); 6 bases into the intron before coding-DNA position 3466 through 5 bases into the intron before coding-DNA position 3466, 2 bases duplicated (TT; older notation c.3466-6_3466-5dupTT).
Molecular consequence: intron variant.
Genome position (GRCh38, 1-based): chr14:75,040,020-75,040,021, AA duplicated on the plus strand (TT on the coding strand, the reverse complement: MLH3 is on the minus strand); duplicating any 2 consecutive bases within chr14:75,040,020-75,040,022 gives the same sequence; the c. name uses the placement nearest the transcript's 3' end. VCF-style (leftmost placement, unchanged base first): chr14-75040019-G-GAA. GRCh37 (hg19) VCF-style: chr14-75506722-G-GAA.
Other names: c.3466-6_3466-5dup (NM_014381.3).
Identifiers: ClinVar variation 4860131 (VCV004860131.2).